The following is an entry in ClinVar:

ClinVar aggregate classification (germline): Uncertain significance (1 of 4 stars; one submission).

Conditions:
LRRC45-related disorder. Also called: LRRC45-related condition.

Submission:

PreventionGenetics, part of Exact Sciences
Classification: Uncertain significance for LRRC45-related condition. Last evaluated: 2026-06-22. Review status: criteria provided, single submitter. Criteria: ACMG Guidelines, 2015. Collection method: clinical testing. Allele origin: germline.
Comment: The LRRC45 c.1853G>A variant is predicted to result in the amino acid substitution p.Arg618Lys. To our knowledge, this variant has not been reported in the literature or in a large population database (gnomAD), indicating this variant is rare. At this time, the clinical significance of this variant is uncertain due to the absence of conclusive functional and genetic evidence.

NM_144999.4(LRRC45):c.1853G>A (p.Arg618Lys)

Gene: LRRC45 (leucine rich repeat containing 45; plus strand). Cytogenetic location: 17q25.3.
Variant type: single nucleotide variant.
Coding change: c.1853G>A on transcript NM_144999.4 (MANE Select); coding-DNA position 1853, G replaced by A.
Protein change: p.Arg618Lys; replaces arginine 618 with lysine.
Molecular consequence: missense variant.
Genome position (GRCh38, 1-based): chr17:82,030,645, G>A. VCF-style: chr17-82030645-G-A. GRCh37 (hg19) VCF-style: chr17-79988521-G-A.
Other names: short protein forms R618K.
Identifiers: ClinVar variation 4985381 (VCV004985381.1).
Genomic context (GRCh38, chr17:82,030,645, plus strand): 5'-CTCACTGCGCTCCTTGCCCTGCAGTGATGGCGAGCGACCACCGAGAGGCGCTGCTGGACA[G>A]GGAGAGCGAGAACGCGTCTCTCCGGGAGAAGCTGCGGCTCCGGGAGGCGGAGATCGCCCG-3'
Protein context (NP_659436.1, residues 608-628): ASDHREALLD[Arg618Lys]ESENASLREK